The following is an entry in ClinVar:

ClinVar aggregate classification (germline): Pathogenic (1 of 4 stars; one submission).

Conditions:
Mandibulofacial dysostosis-microcephaly syndrome (MFDGA). Also called: Growth and mental retardation, mandibulofacial dysostosis, microcephaly, and cleft palate; Mandibulofacial dysostosis, Guion-Almeida type. Identifiers: Orphanet 79113, MedGen C1864652, MONDO:0012516, OMIM 610536.

Submission:

Molecular Genetics Laboratory, Motol Hospital
Classification: Pathogenic for Mandibulofacial dysostosis-microcephaly syndrome. Last evaluated: 2025-05-02. Review status: criteria provided, single submitter. Criteria: ACMG Guidelines, 2015. Collection method: clinical testing. Allele origin: de novo. Affected: yes. Observed: 1 variant allele.
Comment: Not present in gnomAD (v4.1.0), dbSNP or ClinVar (PM2). Rare truncating variants affecting the EFTUD2 gene are documented as a molecular cause of autosomal dominant "Guion-Almeida type of mandibulofacial dysostosis" (MFDGA, MIM:610536; PMID:24470203;PMID:23879989;PMID:22305528;PMID:23239648) (PVS1).To conclude, the variant is classified as pathogenic (ACMG PM2, PS2, PVS1).

Literature cited by the submitters: PubMed 24470203; PubMed 23879989; PubMed 22305528; PubMed 23239648.

NM_004247.4(EFTUD2):c.2155del (p.Gln719fs)

Gene: EFTUD2 (elongation factor Tu GTP binding domain containing 2; minus strand). Cytogenetic location: 17q21.31.
Variant type: Deletion.
Coding change: c.2155del on transcript NM_004247.4 (MANE Select); coding-DNA position 2155, one base deleted (C; older notation c.2155delC).
Protein change: p.Gln719fs; shifts the reading frame from glutamine 719.
Molecular consequence: frameshift variant.
Genome position (GRCh38, 1-based): chr17:44,854,660, G deleted on the plus strand (C on the coding strand, the reverse complement: EFTUD2 is on the minus strand); the first of 2 consecutive G bases (chr17:44,854,660-44,854,661); deleting either gives the same sequence. VCF-style (leftmost placement, unchanged base first): chr17-44854659-TG-T. GRCh37 (hg19) VCF-style: chr17-42932027-TG-T.
Other names: c.2050del, p.Gln684fs (NM_001142605.2); c.2155del, p.Gln719fs (NM_001258353.2); c.2125del, p.Gln709fs (NM_001258354.2); short protein forms Q684fs, Q709fs, Q719fs.
Identifiers: ClinVar variation 3895537 (VCV003895537.1).